The following is an entry in ClinVar:

ClinVar aggregate classification (germline): Benign (1 of 4 stars; one submission).

Conditions:
Lynch syndrome 5 (LYNCH5). Also called: Colorectal cancer, hereditary nonpolyposis, type 5; Hereditary non-polyposis colorectal cancer, type 5. Identifiers: Orphanet 144, MedGen C1833477, MONDO:0013710, OMIM 614350. Disease mechanism: loss of function.

gnomAD v4.1: 1 of 1,614,042 alleles (0.000062%); highest among the groups gnomAD compares: East Asian, 0.0022%; no homozygotes.

Submission:

Myriad Genetics, Inc.
Classification: Benign for Lynch syndrome 5. Last evaluated: 2025-01-07. Review status: criteria provided, single submitter. Criteria: Myriad Autosomal Dominant, Autosomal Recessive and X-Linked Classification Criteria (2023). Collection method: clinical testing. Allele origin: unknown.
Comment: This variant is considered benign. This variant is a silent/synonymous amino acid change and it is not expected to impact splicing.

NM_000179.3(MSH6):c.3462C>G (p.Ala1154=)

Gene: MSH6 (mutS homolog 6; plus strand). Cytogenetic location: 2p16.3.
Variant type: single nucleotide variant.
Coding change: c.3462C>G on transcript NM_000179.3 (MANE Select); coding-DNA position 3462, C replaced by G.
Protein change: p.Ala1154=; no amino-acid change (alanine 1154 retained).
Molecular consequence: synonymous variant. On other transcripts: non-coding transcript variant (4).
Genome position (GRCh38, 1-based): chr2:47,804,933, C>G. VCF-style: chr2-47804933-C-G. GRCh37 (hg19) VCF-style: chr2-48032072-C-G.
Other names: c.3072C>G, p.Ala1024= (NM_001281492.2); c.2556C>G, p.Ala852= (NM_001281493.2, NM_001281494.2, NM_001406811.1 and 6 more transcripts); c.3558C>G, p.Ala1186= (NM_001406795.1, NM_001406802.1); c.3462C>G, p.Ala1154= (NM_001406796.1, NM_001406800.1, NM_001406808.1 and 1 more transcripts); c.3165C>G, p.Ala1055= (NM_001406797.1, NM_001406801.1, NM_001406805.1 and 10 more transcripts); c.3288C>G, p.Ala1096= (NM_001406798.1); c.2937C>G, p.Ala979= (NM_001406799.1, NM_001406806.1, NM_001406807.1); c.2598C>G, p.Ala866= (NM_001406803.1); and 7 more.
Identifiers: ClinVar variation 3904045 (VCV003904045.1).